The following is an entry in ClinVar:

NM_014141.6(CNTNAP2):c.*3433G>A

Gene: CNTNAP2 (contactin associated protein 2; plus strand). Cytogenetic location: 7q36.1.
Variant type: single nucleotide variant.
Coding change: c.*3433G>A on transcript NM_014141.6 (MANE Select); 3433 bases downstream of the stop codon, G replaced by A.
Molecular consequence: 3 prime UTR variant.
Genome position (GRCh38, 1-based): chr7:148,419,049, G>A. VCF-style: chr7-148419049-G-A. GRCh37 (hg19) VCF-style: chr7-148116141-G-A.
Identifiers: ClinVar variation 359247 (VCV000359247.6), dbSNP rs142623983, ClinGen allele CA10623420.

ClinVar aggregate classification (germline): Likely benign (1 of 4 stars; one submission).

Conditions:
Cortical dysplasia-focal epilepsy syndrome (PTHSL1). Also called: Pitt-Hopkins-like syndrome 1. Identifiers: Orphanet 163681, Orphanet 221150, MedGen C2750246, MONDO:0012400, OMIM 610042.

Allele frequency attached by ClinVar (database versions not stated): 1000 Genomes Project 0.00260; 1000 Genomes Project 30x 0.00265; gnomAD 0.00271 and 0.00279; TOPMed 0.00320.

Submission:

Illumina Laboratory Services, Illumina
Classification: Likely benign for Cortical dysplasia-focal epilepsy syndrome. Last evaluated: 2018-01-13. Review status: criteria provided, single submitter. Criteria: ICSL Variant Classification Criteria 13 December 2019. Collection method: clinical testing. Allele origin: germline.
Comment: This variant was observed in the ICSL laboratory as part of a predisposition screen in an ostensibly healthy population. It had not been previously curated by ICSL or reported in the Human Gene Mutation Database (HGMD: prior to June 1st, 2018), and was therefore a candidate for classification through an automated scoring system. Utilizing variant allele frequency, disease prevalence and penetrance estimates, and inheritance mode, an automated score was calculated to assess if this variant is too frequent to cause the disease. Based on the score and internal cut-off values, a variant classified as likely benign is not then subjected to further curation. The score for this variant resulted in a classification of likely benign for this disease.